The following is an entry in ClinVar:

ClinVar aggregate classification (germline): Likely benign. Review status: criteria provided, multiple submitters, no conflicts (2 of 4 stars). 2 submissions from 2 submitters: Likely benign (2). Last evaluated 2026-03-09.

Conditions:
Spastic paraplegia. Identifiers: MedGen C0037772, HP:0001258.

Allele frequency attached by ClinVar (database versions not stated): gnomAD exomes 0.00001; TOPMed 0.00001; ExAC 0.00002; gnomAD 0.00002.
gnomAD v4.1: 11 of 1,207,666 alleles (0.00091%); highest among the groups gnomAD compares: South Asian, 0.007%; no homozygotes.

Submissions (2):

Women's Health and Genetics/Laboratory Corporation of America, LabCorp
Classification: Likely benign. Last evaluated: 2026-03-09. Review status: criteria provided, single submitter. Criteria: LabCorp Variant Classification Summary - May 2015. Collection method: clinical testing. Allele origin: germline.
Comment: Variant summary: L1CAM c.91+16G>T alters a non-conserved nucleotide located at a position not widely known to affect splicing. Consensus agreement among computation tools predict no significant impact on normal splicing. However, these predictions have yet to be confirmed by functional studies. The variant allele was found at a frequency of 9.1e-06 in 1202633 control chromosomes, including 3 hemizygotes (gnomAD). To our knowledge, no occurrence of c.91+16G>T in individuals affected with L1CAM-related conditions and no experimental evidence demonstrating its impact on protein function have been reported. ClinVar contains an entry for this variant (Variation ID: 3003851). Based on the evidence outlined above, the variant was classified as likely benign.

Labcorp Genetics (formerly Invitae), Labcorp
Classification: Likely benign for Spastic paraplegia. Last evaluated: 2024-03-24. Review status: criteria provided, single submitter. Criteria: Invitae Variant Classification Sherloc (09022015). Collection method: clinical testing. Allele origin: germline.

NM_001278116.2(L1CAM):c.91+16G>T

Gene: L1CAM (L1 cell adhesion molecule; minus strand). Cytogenetic location: Xq28.
Variant type: single nucleotide variant.
Coding change: c.91+16G>T on transcript NM_001278116.2 (MANE Select); 16 bases into the intron after coding-DNA position 91, G replaced by T.
Molecular consequence: intron variant.
Genome position (GRCh38, 1-based): chrX:153,873,212, C>A on the plus strand (G>T on the coding strand, the complement: L1CAM is on the minus strand). VCF-style: chrX-153873212-C-A. GRCh37 (hg19) VCF-style: chrX-153138667-C-A.
Other names: c.77-515G>T (NM_001143963.2); c.91+16G>T (NM_024003.3, NM_000425.5).
Identifiers: ClinVar variation 3003851 (VCV003003851.4), dbSNP rs781917330, ClinGen allele CA10554675.